The following is an entry in ClinVar:

NM_006206.6(PDGFRA):c.629-1G>A

Gene: PDGFRA (platelet derived growth factor receptor alpha; plus strand). Cytogenetic location: 4q12.
Variant type: single nucleotide variant.
Coding change: c.629-1G>A on transcript NM_006206.6 (MANE Select); the canonical splice acceptor site of the intron before coding-DNA position 629, G replaced by A.
Molecular consequence: splice acceptor variant.
Genome position (GRCh38, 1-based): chr4:54,264,918, G>A. VCF-style: chr4-54264918-G-A. GRCh37 (hg19) VCF-style: chr4-55131085-G-A.
Other names: c.704-1G>A (NM_001347828.2); c.629-1G>A (NM_001347827.2, NM_001347829.2); c.668-1G>A (NM_001347830.2).
Identifiers: ClinVar variation 2129934 (VCV002129934.4), dbSNP rs2110257306, ClinGen allele CA356890640.

ClinVar aggregate classification (germline): Uncertain significance (1 of 4 stars; one submission).

Conditions:
Gastrointestinal stromal tumor. Also called: Gastrointestinal stroma tumor; Gastrointestinal stromal tumor, somatic. Identifiers: Orphanet 44890, MedGen C0238198, MeSH D046152, MONDO:0011719, OMIM 606764, HP:0100723.

Submission:

Labcorp Genetics (formerly Invitae), Labcorp
Classification: Uncertain significance for Gastrointestinal stromal tumor. Last evaluated: 2022-04-24. Review status: criteria provided, single submitter. Criteria: Invitae Variant Classification Sherloc (09022015). Collection method: clinical testing. Allele origin: germline.
Comment: In summary, the available evidence is currently insufficient to determine the role of this variant in disease. Therefore, it has been classified as a Variant of Uncertain Significance. Algorithms developed to predict the effect of sequence changes on RNA splicing suggest that this variant may disrupt the consensus splice site. This variant has not been reported in the literature in individuals affected with PDGFRA-related conditions. This variant is not present in population databases (gnomAD no frequency). This sequence change affects an acceptor splice site in intron 4 of the PDGFRA gene. It is expected to disrupt RNA splicing. Variants that disrupt the donor or acceptor splice site typically lead to a loss of protein function (PMID: 16199547), however the current clinical and genetic evidence is not sufficient to establish whether loss-of-function variants in PDGFRA cause disease.

Literature cited by the submitters: PubMed 16199547.